The following is an entry in ClinVar:

NM_000038.6(APC):c.3549T>G (p.Tyr1183Ter)

Gene: APC (APC regulator of Wnt signaling pathway; plus strand). Cytogenetic location: 5q22.2.
Variant type: single nucleotide variant.
Coding change: c.3549T>G on transcript NM_000038.6 (MANE Select); coding-DNA position 3549, T replaced by G.
Protein change: p.Tyr1183Ter; replaces tyrosine 1183 with a stop codon.
Molecular consequence: nonsense.
Genome position (GRCh38, 1-based): chr5:112,839,143, T>G. VCF-style: chr5-112839143-T-G. GRCh37 (hg19) VCF-style: chr5-112174840-T-G.
Other names: c.3549T>G, p.Tyr1183Ter (NM_001127510.3, NM_001354895.2); c.3495T>G, p.Tyr1165Ter (NM_001127511.3); c.3603T>G, p.Tyr1201Ter (NM_001354896.2); c.3579T>G, p.Tyr1193Ter (NM_001354897.2); c.3474T>G, p.Tyr1158Ter (NM_001354898.2); c.3465T>G, p.Tyr1155Ter (NM_001354899.2); c.3426T>G, p.Tyr1142Ter (NM_001354900.2); c.3372T>G, p.Tyr1124Ter (NM_001354901.2); and 5 more; short protein forms Y1165*, Y1183*, Y1023*, Y1201*, Y900*, Y1082*, Y1142*, Y1092*.
Identifiers: ClinVar variation 565402 (VCV000565402.10), dbSNP rs1561585641, ClinGen allele CA16029132.

ClinVar aggregate classification (germline): Pathogenic (1 of 4 stars; one submission).

Conditions:
Familial adenomatous polyposis 1 (FAP1). Also called: FAMILIAL ADENOMATOUS POLYPOSIS 1, ATTENUATED; POLYPOSIS, ADENOMATOUS INTESTINAL. Identifiers: MedGen C2713442, MONDO:0021056, OMIM 175100. Disease mechanism: loss of function.

Submission:

Labcorp Genetics (formerly Invitae), Labcorp
Classification: Pathogenic for Familial adenomatous polyposis 1. Last evaluated: 2018-02-01. Review status: criteria provided, single submitter. Criteria: Invitae Variant Classification Sherloc (09022015). Collection method: clinical testing. Allele origin: germline.
Comment: This sequence change results in a premature translational stop signal in the APC gene (p.Tyr1183*). While this is not anticipated to result in nonsense mediated decay, it is expected to delete the last 1661 amino acids of the APC protein. This variant is not present in population databases (ExAC no frequency). This variant has not been reported in the literature in individuals with APC-related disease. A different truncation (p.Asn1979Thrfs*64) that lies downstream of this variant has been determined to be pathogenic (PMID: 9824584, 20434453, 26681312). This suggests that deletion of this region of the APC protein is causative of disease. For these reasons, this variant has been classified as Pathogenic.

Literature cited by the submitters: PubMed 9824584; PubMed 20434453; PubMed 26681312.